The following is an entry in ClinVar:

NM_058216.3(RAD51C):c.703A>G (p.Lys235Glu)

Genes: RAD51C (RAD51 paralog C; plus strand), LOC129390903 (MPRA-validated peak2919 silencer; plus strand). Cytogenetic location: 17q22.
Variant type: single nucleotide variant.
Coding change: c.703A>G on transcript NM_058216.3 (MANE Select); coding-DNA position 703, A replaced by G.
Protein change: p.Lys235Glu; replaces lysine 235 with glutamic acid.
Molecular consequence: missense variant. On other transcripts: non-coding transcript variant (1).
Genome position (GRCh38, 1-based): chr17:58,703,327, A>G. VCF-style: chr17-58703327-A-G. GRCh37 (hg19) VCF-style: chr17-56780688-A-G.
Other names: short protein forms K235E.
Identifiers: ClinVar variation 484735 (VCV000484735.9), dbSNP rs1555597252, ClinGen allele CA400350161.

ClinVar aggregate classification (germline): Conflicting classifications of pathogenicity. Review status: criteria provided, conflicting classifications (1 of 4 stars). 2 submissions from 2 submitters: Uncertain significance (1); Likely benign (1). Last evaluated 2025-04-11.

Conditions:
Fanconi anemia complementation group O. Also called: RAD51C-Related Fanconi Anemia. Identifiers: Orphanet 84, MedGen C3150653, MONDO:0013248, OMIM 613390.
Hereditary cancer-predisposing syndrome. Also called: Hereditary neoplastic syndrome; Neoplastic Syndromes, Hereditary; Tumor predisposition; Hereditary Cancer Syndrome. Identifiers: Orphanet 140162, MedGen C0027672, MeSH D009386, MONDO:0015356.

Submissions (2):

Ambry Genetics
Classification: Likely benign for Hereditary cancer-predisposing syndrome. Last evaluated: 2025-04-11. Review status: criteria provided, single submitter. Criteria: Ambry Variant Classification Scheme 2023. Collection method: clinical testing. Allele origin: germline.

Labcorp Genetics (formerly Invitae), Labcorp
Classification: Uncertain significance for Fanconi anemia complementation group O. Last evaluated: 2024-07-21. Review status: criteria provided, single submitter. Criteria: Invitae Variant Classification Sherloc (09022015). Collection method: clinical testing. Allele origin: germline.
Comment: This sequence change replaces lysine, which is basic and polar, with glutamic acid, which is acidic and polar, at codon 235 of the RAD51C protein (p.Lys235Glu). This variant is not present in population databases (gnomAD no frequency). This variant has not been reported in the literature in individuals affected with RAD51C-related conditions. ClinVar contains an entry for this variant (Variation ID: 484735). An algorithm developed to predict the effect of missense changes on protein structure and function (PolyPhen-2) suggests that this variant is likely to be tolerated. In summary, the available evidence is currently insufficient to determine the role of this variant in disease. Therefore, it has been classified as a Variant of Uncertain Significance.

Literature cited by the submitters: PubMed 37253112 (cited by Ambry Genetics).